The following is an entry in ClinVar:

ClinVar aggregate classification (germline): Likely benign. Review status: criteria provided, single submitter (1 of 4 stars). 2 submissions from 2 submitters: Likely benign (1). 1 of the submissions does not count toward it.

Conditions:
DROSHA-related disorder. Also called: DROSHA-related condition.

Allele frequency attached by ClinVar (database versions not stated): gnomAD exomes 0.00004; ExAC 0.00012; 1000 Genomes Project 30x 0.00031; 1000 Genomes Project 0.00040; gnomAD 0.00040; TOPMed 0.00043; ESP Exome Variant Server 0.00065.
gnomAD v4.1: 128 of 1,614,012 alleles (0.0079%); highest among the groups gnomAD compares: African/African-American, 0.14%; no homozygotes.

Submissions (2):

Breakthrough Genomics
Classification: Likely benign. Review status: criteria provided, single submitter. Criteria: ACMG Guidelines, 2015. Collection method: not provided. Allele origin: germline. Inheritance: Unknown mechanism. Affected: yes.

PreventionGenetics, part of Exact Sciences
Classification: Likely benign for DROSHA-related condition. Last evaluated: 2022-06-03. Review status: no assertion criteria provided. Collection method: clinical testing. Allele origin: germline. Not counted in ClinVar's aggregate classification.
Comment: This variant is classified as likely benign based on ACMG/AMP sequence variant interpretation guidelines (Richards et al. 2015 PMID: 25741868, with internal and published modifications).

NM_001382508.1(DROSHA):c.3627T>C (p.Pro1209=)

Gene: DROSHA (drosha ribonuclease III; minus strand). Cytogenetic location: 5p13.3.
Variant type: single nucleotide variant.
Coding change: c.3627T>C on transcript NM_001382508.1 (MANE Select); coding-DNA position 3627, T replaced by C.
Protein change: p.Pro1209=; no amino-acid change (proline 1209 retained).
Molecular consequence: synonymous variant.
Genome position (GRCh38, 1-based): chr5:31,410,786, A>G on the plus strand (T>C on the coding strand, the complement: DROSHA is on the minus strand). VCF-style: chr5-31410786-A-G. GRCh37 (hg19) VCF-style: chr5-31410893-A-G.
Other names: c.3516T>C, p.Pro1172= (NM_001100412.2); c.3627T>C, p.Pro1209= (NM_013235.5).
Identifiers: ClinVar variation 3039297 (VCV003039297.3), dbSNP rs112898671, ClinGen allele CA3217167.